The following is an entry in ClinVar:

ClinVar aggregate classification (germline): Uncertain significance. Review status: criteria provided, multiple submitters, no conflicts (2 of 4 stars). 3 submissions from 3 submitters: Uncertain significance (3). Last evaluated 2024-11-20.

Conditions:
Inborn genetic diseases. Identifiers: MedGen C0950123, MeSH D030342.
Developmental and epileptic encephalopathy, 37 (DEE37). Also called: Epileptic encephalopathy, early infantile, 37. Identifiers: MedGen C4310770, MONDO:0014859, OMIM 616981.

Allele frequency attached by ClinVar (database versions not stated): ExAC 0.00002; gnomAD exomes 0.00002 and 0.00003; TOPMed 0.00002; gnomAD 0.00003 and 0.00004; ESP Exome Variant Server 0.00008.
gnomAD v4.1: 49 of 1,613,192 alleles (0.003%); highest among the groups gnomAD compares: Non-Finnish European, 0.0039%; no homozygotes.

Submissions (3):

Ambry Genetics
Classification: Uncertain significance for Inborn genetic diseases. Last evaluated: 2024-11-20. Review status: criteria provided, single submitter. Criteria: Ambry Variant Classification Scheme 2023. Collection method: clinical testing. Allele origin: germline.

Labcorp Genetics (formerly Invitae), Labcorp
Classification: Uncertain significance for Developmental and epileptic encephalopathy, 37. Last evaluated: 2022-07-09. Review status: criteria provided, single submitter. Criteria: Invitae Variant Classification Sherloc (09022015). Collection method: clinical testing. Allele origin: germline.
Comment: This sequence change replaces proline, which is neutral and non-polar, with serine, which is neutral and polar, at codon 163 of the FRRS1L protein (p.Pro163Ser). This variant is present in population databases (rs374551544, gnomAD 0.005%). This variant has not been reported in the literature in individuals affected with FRRS1L-related conditions. ClinVar contains an entry for this variant (Variation ID: 849381). Algorithms developed to predict the effect of missense changes on protein structure and function (SIFT, PolyPhen-2, Align-GVGD) all suggest that this variant is likely to be tolerated. In summary, the available evidence is currently insufficient to determine the role of this variant in disease. Therefore, it has been classified as a Variant of Uncertain Significance.

Breakthrough Genomics
Classification: Uncertain significance. Review status: criteria provided, single submitter. Criteria: ACMG Guidelines, 2015. Collection method: not provided. Allele origin: germline. Inheritance: Autosomal recessive inheritance. Affected: yes.

NM_014334.4(FRRS1L):c.334C>T (p.Pro112Ser)

Gene: FRRS1L (ferric chelate reductase 1 like; minus strand). Cytogenetic location: 9q31.3.
Variant type: single nucleotide variant.
Coding change: c.334C>T on transcript NM_014334.4 (MANE Select); coding-DNA position 334, C replaced by T.
Protein change: p.Pro112Ser; replaces proline 112 with serine.
Molecular consequence: missense variant.
Genome position (GRCh38, 1-based): chr9:109,147,179, G>A on the plus strand (C>T on the coding strand, the complement: FRRS1L is on the minus strand). VCF-style: chr9-109147179-G-A. GRCh37 (hg19) VCF-style: chr9-111909459-G-A.
Other names: short protein forms P112S.
Identifiers: ClinVar variation 849381 (VCV000849381.9), dbSNP rs374551544, ClinGen allele CA5177438.